The following is an entry in ClinVar:

ClinVar aggregate classification (germline): Pathogenic (1 of 4 stars; one submission).

Submission:

Labcorp Genetics (formerly Invitae), Labcorp
Classification: Pathogenic. Last evaluated: 2025-01-21. Review status: criteria provided, single submitter. Criteria: Invitae Variant Classification Sherloc (09022015). Collection method: clinical testing. Allele origin: germline.
Comment: This sequence change replaces cysteine, which is neutral and slightly polar, with serine, which is neutral and polar, at codon 2146 of the NSD1 protein (p.Cys2146Ser). This variant is not present in population databases (gnomAD no frequency). This missense change has been observed in individual(s) with Sotos syndrome (PMID: 26690673). In at least one individual the variant was observed to be de novo. Invitae Evidence Modeling of protein sequence and biophysical properties (such as structural, functional, and spatial information, amino acid conservation, physicochemical variation, residue mobility, and thermodynamic stability) indicates that this missense variant is expected to disrupt NSD1 protein function with a positive predictive value of 95%. This variant disrupts the p.Cys2146 amino acid residue in NSD1. Other variant(s) that disrupt this residue have been determined to be pathogenic (PMID: 26690673). This suggests that this residue is clinically significant, and that variants that disrupt this residue are likely to be disease-causing. For these reasons, this variant has been classified as Pathogenic.

Literature cited by the submitters: PubMed 26690673.

NM_022455.5(NSD1):c.6436T>A (p.Cys2146Ser)

Gene: NSD1 (nuclear receptor binding SET domain protein 1; plus strand). Cytogenetic location: 5q35.3.
Variant type: single nucleotide variant.
Coding change: c.6436T>A on transcript NM_022455.5 (MANE Select); coding-DNA position 6436, T replaced by A.
Protein change: p.Cys2146Ser; replaces cysteine 2146 with serine.
Molecular consequence: missense variant.
Genome position (GRCh38, 1-based): chr5:177,292,131, T>A. VCF-style: chr5-177292131-T-A. GRCh37 (hg19) VCF-style: chr5-176719132-T-A.
Other names: c.5683T>A, p.Cys1895Ser (NM_001409305.1); c.5674T>A, p.Cys1892Ser (NM_001409306.1, NM_001409307.1); c.5314T>A, p.Cys1772Ser (NM_001409309.1); c.5563T>A, p.Cys1855Ser (NM_001409308.1, NM_172349.5, NM_001365684.2); c.6436T>A, p.Cys2146Ser (NM_001409301.1, NM_001409302.1, NM_001409303.1); c.6016T>A, p.Cys2006Ser (NM_001409304.1); short protein forms C1855S, C1772S, C1895S, C1892S, C2006S, C2146S.
Identifiers: ClinVar variation 3719715 (VCV003719715.2).